The following is an entry in ClinVar:

NM_000051.4(ATM):c.2377-11C>T

Gene: ATM (ATM serine/threonine kinase; plus strand). Cytogenetic location: 11q22.3.
Variant type: single nucleotide variant.
Coding change: c.2377-11C>T on transcript NM_000051.4 (MANE Select); 11 bases into the intron before coding-DNA position 2377, C replaced by T.
Molecular consequence: intron variant.
Genome position (GRCh38, 1-based): chr11:108,258,975, C>T. VCF-style: chr11-108258975-C-T. GRCh37 (hg19) VCF-style: chr11-108129702-C-T.
Other names: c.2377-11C>T (NM_001351834.2).
Identifiers: ClinVar variation 3254051 (VCV003254051.1), dbSNP rs2080691297.

ClinVar aggregate classification (germline): Likely benign (1 of 4 stars; one submission).

Conditions:
Familial cancer of breast. Also called: BREAST CANCER, FAMILIAL; Hereditary breast cancer; hereditary breast carcinoma. Identifiers: Orphanet 227535, MedGen C0346153, MONDO:0016419, OMIM 114480. Disease mechanism: loss of function.

Submission:

Myriad Genetics, Inc.
Classification: Likely benign for Familial cancer of breast. Last evaluated: 2024-05-08. Review status: criteria provided, single submitter. Criteria: Myriad Autosomal Dominant, Autosomal Recessive and X-Linked Classification Criteria (2023). Collection method: clinical testing. Allele origin: unknown.
Comment: This variant is considered likely benign. This variant is intronic and is not expected to impact mRNA splicing.